The following is an entry in ClinVar:

NM_001363711.2(DUOX2):c.2137G>A (p.Glu713Lys)

Gene: DUOX2 (dual oxidase 2; minus strand). Cytogenetic location: 15q21.1.
Variant type: single nucleotide variant.
Coding change: c.2137G>A on transcript NM_001363711.2 (MANE Select); coding-DNA position 2137, G replaced by A.
Protein change: p.Glu713Lys; replaces glutamic acid 713 with lysine.
Molecular consequence: missense variant.
Genome position (GRCh38, 1-based): chr15:45,106,136, C>T on the plus strand (G>A on the coding strand, the complement: DUOX2 is on the minus strand). VCF-style: chr15-45106136-C-T. GRCh37 (hg19) VCF-style: chr15-45398334-C-T.
Other names: NC_000015.9:g.45398334C>T; c.2137G>A, p.Glu713Lys (NM_014080.5); short protein forms E713K.
Identifiers: ClinVar variation 4403054 (VCV004403054.1).

ClinVar aggregate classification (germline): Uncertain significance (1 of 4 stars; one submission).

gnomAD v4.1: 1 of 1,614,160 alleles (0.000062%); highest among the groups gnomAD compares: Non-Finnish European, 0.000085%; no homozygotes.

Submissions (2):

Women's Health and Genetics/Laboratory Corporation of America, LabCorp
Classification: Uncertain significance. Last evaluated: 2025-07-17. Review status: criteria provided, single submitter. Criteria: LabCorp Variant Classification Summary - May 2015. Collection method: clinical testing. Allele origin: germline.
Comment: Variant summary: DUOX2 c.2137G>A (p.Glu713Lys) results in a conservative amino acid change in the encoded protein sequence. Algorithms developed to predict the effect of missense changes on protein structure and function are either unavailable or do not agree on the potential impact of this missense change. The variant was absent in 251350 control chromosomes. The available data on variant occurrences in the general population are insufficient to allow any conclusion about variant significance. c.2137G>A has been observed in individual(s) affected with Hypothyroidism (Wang_2021). These report(s) do not provide unequivocal conclusions about association of the variant with Thyroid Dyshormonogenesis 6. The following publication has been ascertained in the context of this evaluation (PMID: 33631011). No submitters have cited clinical-significance assessments for this variant to ClinVar. Based on the evidence outlined above, the variant was classified as uncertain significance.

Dr. Peter K. Rogan Lab, Western University
No classification provided (evidence only). Condition: Melanoma. Review status: no classification provided. Collection method: in vitro. Allele origin: not applicable. Functional consequence: retained intron. Not counted in ClinVar's aggregate classification.

Literature cited by the submitters: PubMed 33631011 (cited by Women's Health and Genetics/Laboratory Corporation of America, LabCorp).